The following is an entry in ClinVar:

ClinVar aggregate classification (germline): Benign/Likely benign. Review status: criteria provided, multiple submitters, no conflicts (2 of 4 stars). 4 submissions from 4 submitters: Benign (1); Likely benign (3). Last evaluated 2025-07-31.

Conditions:
Factor VII-activating protease marburg I. Identifiers: MedGen CN068943.
HABP2-related disorder. Also called: HABP2-related condition.

Allele frequency attached by ClinVar (database versions not stated): 1000 Genomes Project 0.00040; gnomAD exomes 0.00044 and 0.00016; 1000 Genomes Project 30x 0.00047; ExAC 0.00054; gnomAD 0.00159 and 0.00182; TOPMed 0.00182; ESP Exome Variant Server 0.00254.
gnomAD v4.1: 476 of 1,609,998 alleles (0.03%); highest among the groups gnomAD compares: African/African-American, 0.5%; no homozygotes.

Submissions (4):

PreventionGenetics, part of Exact Sciences
Classification: Likely benign for HABP2-related condition. Last evaluated: 2025-07-31. Review status: criteria provided, single submitter. Criteria: ACMG Guidelines, 2015. Collection method: clinical testing. Allele origin: germline.
Comment: This variant is classified as likely benign based on ACMG/AMP sequence variant interpretation guidelines (Richards et al. 2015 PMID: 25741868, with internal and published modifications).

Labcorp Genetics (formerly Invitae), Labcorp
Classification: Benign. Last evaluated: 2018-07-10. Review status: criteria provided, single submitter. Criteria: Invitae Variant Classification Sherloc (09022015). Collection method: clinical testing. Allele origin: germline.

Illumina Laboratory Services, Illumina
Classification: Likely benign for Factor VII Marburg I Variant Thrombophilia. Last evaluated: 2018-01-12. Review status: criteria provided, single submitter. Criteria: ICSL Variant Classification Criteria 13 December 2019. Collection method: clinical testing. Allele origin: germline.
Comment: This variant was observed in the ICSL laboratory as part of a predisposition screen in an ostensibly healthy population. It had not been previously curated by ICSL or reported in the Human Gene Mutation Database (HGMD: prior to June 1st, 2018), and was therefore a candidate for classification through an automated scoring system. Utilizing variant allele frequency, disease prevalence and penetrance estimates, and inheritance mode, an automated score was calculated to assess if this variant is too frequent to cause the disease. Based on the score and internal cut-off values, a variant classified as likely benign is not then subjected to further curation. The score for this variant resulted in a classification of likely benign for this disease.

Breakthrough Genomics
Classification: Likely benign. Review status: criteria provided, single submitter. Criteria: ACMG Guidelines, 2015. Collection method: not provided. Allele origin: germline. Inheritance: Autosomal dominant inheritance. Affected: yes.

NM_004132.5(HABP2):c.252C>T (p.His84=)

Gene: HABP2 (hyaluronan binding protein 2; plus strand). Cytogenetic location: 10q25.3.
Variant type: single nucleotide variant.
Coding change: c.252C>T on transcript NM_004132.5 (MANE Select); coding-DNA position 252, C replaced by T.
Protein change: p.His84=; no amino-acid change (histidine 84 retained).
Molecular consequence: synonymous variant.
Genome position (GRCh38, 1-based): chr10:113,575,925, C>T. VCF-style: chr10-113575925-C-T. GRCh37 (hg19) VCF-style: chr10-115335684-C-T.
Other names: c.174C>T, p.His58= (NM_001177660.3).
Identifiers: ClinVar variation 709833 (VCV000709833.9), dbSNP rs11575749, ClinGen allele CA5693533.